The following is an entry in ClinVar:

NM_000407.5(GP1BB):c.236_244del (p.Pro79_Leu81del)

Genes: GP1BB (glycoprotein Ib platelet subunit beta; plus strand), SEPT5-GP1BB (SEPT5-GP1BB readthrough; plus strand). Cytogenetic location: 22q11.21.
Variant type: Deletion.
Coding change: c.236_244del on transcript NM_000407.5 (MANE Select); coding-DNA positions 236 to 244, 9 bases deleted (CCGCGCTGC; older notation c.236_244delCCGCGCTGC).
Protein change: p.Pro79_Leu81del.
Molecular consequence: inframe deletion. On other transcripts: non-coding transcript variant (2).
Genome position (GRCh38, 1-based): chr22:19,724,079-19,724,087, CCGCGCTGC deleted; deleting any 9 consecutive bases within chr22:19,724,071-19,724,087 gives the same sequence; the c. name uses the placement nearest the transcript's 3' end. VCF-style (leftmost placement, unchanged base first): chr22-19724070-ACGCGCTGCC-A. GRCh37 (hg19) VCF-style: chr22-19711593-ACGCGCTGCC-A.
Other names: NM_000407.5(GP1BB):c.236_244del; p.Pro79_Leu81del; c.236_244delCCGCGCTGC (NM_000407.4, NM_000407.5).
Identifiers: ClinVar variation 627039 (VCV000627039.6), dbSNP rs1601248578, ClinGen allele CA915952575.

ClinVar aggregate classification (germline): Likely pathogenic. Review status: reviewed by expert panel (3 of 4 stars). 4 submissions from 4 submitters: Likely pathogenic (1). 3 of the submissions do not count toward it. Last evaluated 2026-03-17.

Conditions:
Bernard Soulier syndrome (BSS). Also called: BLEEDING DISORDER, PLATELET-TYPE, 1; Giant platelet syndrome; Hemorrhagiparous thrombocytic dystrophy; Giant platelet disease; GLYCOPROTEIN Ib, PLATELET, DEFICIENCY OF; PLATELET GLYCOPROTEIN Ib DEFICIENCY. Identifiers: Orphanet 274, MedGen C0005129, MeSH D001606, MONDO:0009276, OMIM 231200.
Thrombocytopenia. Identifiers: MedGen C0040034, MeSH D013921, MONDO:0002049, HP:0001873.

Submissions (4):

ClinGen Platelet Disorders Variant Curation Expert Panel, ClinGen
Classification: Likely pathogenic for Bernard Soulier syndrome. Last evaluated: 2026-03-17. Review status: reviewed by expert panel. Criteria: ClinGen Platelet ACMG Specifications GP1BB V1.0.0. Collection method: curation. Allele origin: germline. Inheritance: Autosomal recessive inheritance.
Comment: The NM_000407.5:c.236_244del variant is predicted to cause a change in the length of the protein due to an in-frame deletion of three amino acids (p.Pro79_Leu81del) in a non-repeat region (PM4). At least one patient (Patient K3 in PMID: 28064200, also referred to in BRIDGE database as TG0767 or RVV000000P) with this variant had an abnormal aggregation response to ristocetin but normal response to ADP, Collagen, Arachidonic Acid, and Epinephrine, which is highly specific for Bernard-Soulier syndrome. Additionally, the patient had reduced expression of GPIb (with CD42b marker), macrothrombocytopenia, and mild bleeding (i.e., menorrhagia) which is consistent with Bernard-Soulier syndrome (PP4). At least 3 individuals are heterozygous for the variant and are considered informative due to measurable, quantitative abnormalities relevant to the disease (i.e. significantly reduced platelet surface expression of GP1b, giant platelets, and macrothrombocytopenia) (PS4_supporting; PMID: 34333846, SCV002569341.1). The variant has been reported to segregate in a heterozygous proband plus 3 additional heterozygous relatives with a relevant measurable, quantitative abnormality (i.e. significantly reduced surface expression and macrothrombocytopenia). 1.5pt total (PP1). The highest minor allele frequency in gnomaDv4.1 is 0.00002898 (2/69006 alleles) in the African/African American genetic ancestry group, which is below the <0.0000651678 threshold for PM2_supporting. In summary, this variant meets the criteria to be classified as Likely Pathogenic for autosomal recessive Bernard-Soulier syndrome based on the ACMG/AMP criteria applied, as specified by the ClinGen PD VCEP: PS4_supporting, PP1, PP4, PM4 and PM2_Supporting (VCEP specifications version 1).

Center for Genomic Medicine, Rigshospitalet, Copenhagen University Hospital
Classification: Pathogenic. Last evaluated: 2025-03-04. Review status: criteria provided, single submitter. Criteria: ACMG Guidelines, 2015. Collection method: clinical testing. Allele origin: germline. Not counted in ClinVar's aggregate classification.

NIHR Bioresource Rare Diseases, University of Cambridge
Classification: Likely pathogenic for Thrombocytopenia. Last evaluated: 2019-02-01. Review status: criteria provided, single submitter. Criteria: ACMG Guidelines, 2015. Collection method: research. Allele origin: unknown. Affected: yes. Observed: 1 heterozygote. Study: ThromboGenomics. Not counted in ClinVar's aggregate classification.

ISTH-SSC Genomics in Thrombosis and Hemostasis, KU Leuven, Center for Molecular and Vascular Biology
Classification: Uncertain significance for Bernard Soulier syndrome. Review status: criteria provided, single submitter. Criteria: ACMG Guidelines, 2015. Collection method: clinical testing. Allele origin: germline. Affected: yes. Observed: 1 heterozygote. Not counted in ClinVar's aggregate classification.
Comment: Submitted to GoldVariant by Jose María Bastida and José Rivera; Grupo Español de Alteraciones Plaquetarias Congénitas (GEAPC)

Literature cited by the submitters: PubMed 34333846 (cited by Center for Genomic Medicine, Rigshospitalet, Copenhagen University Hospital); PubMed 31064749 (cited by 3 submitters).